The following is an entry in ClinVar:

NM_000310.4(PPT1):c.433+79A>G

Gene: PPT1 (palmitoyl-protein thioesterase 1; minus strand). Cytogenetic location: 1p34.2.
Variant type: single nucleotide variant.
Coding change: c.433+79A>G on transcript NM_000310.4 (MANE Select); 79 bases into the intron after coding-DNA position 433, A replaced by G.
Molecular consequence: intron variant.
Genome position (GRCh38, 1-based): chr1:40,091,250, T>C on the plus strand (A>G on the coding strand, the complement: PPT1 is on the minus strand). VCF-style: chr1-40091250-T-C. GRCh37 (hg19) VCF-style: chr1-40556922-T-C.
Other names: c.125-1738A>G (NM_001142604.2); c.433+79A>G (NM_001363695.2).
Identifiers: ClinVar variation 1180458 (VCV001180458.7), dbSNP rs3122439, ClinGen allele CA21015671.
Genomic context (GRCh38, chr1:40,091,250, plus strand): 5'-AGTTTGTTAAAAGCTAGAGAAACAGGATTTTGCAAGAATGGCTGATGTCTTGTGCAAATA[T>C]AGTTCCTAGATTTTTTTTTAAATCAGGTGGTCATGTGGGTTAGAATACAGAAAAAAGAAA-3'

ClinVar aggregate classification (germline): Benign. Review status: criteria provided, multiple submitters, no conflicts (2 of 4 stars). 4 submissions from 4 submitters: Benign (4). Last evaluated 2024-07-15.

Conditions:
Neuronal ceroid lipofuscinosis 1 (CLN1). Also called: PPT1-Related Neuronal Ceroid-Lipofuscinosis; CEROID LIPOFUSCINOSIS, NEURONAL, 1, VARIABLE AGE AT ONSET. Identifiers: Orphanet 228329, MedGen C1850451, MONDO:0009744, OMIM 256730.

Allele frequency attached by ClinVar (database versions not stated): gnomAD 0.99388 and 0.99439; TOPMed 0.99400; 1000 Genomes Project 0.99421; 1000 Genomes Project 30x 0.99453.
gnomAD v4.1: 1,403,390 of 1,404,932 alleles (100%); highest among the groups gnomAD compares: East Asian, 100%; 700,946 homozygotes.

Submissions (4):

Unidad de Genómica Garrahan, Hospital de Pediatría Garrahan
Classification: Benign. Last evaluated: 2024-07-15. Review status: criteria provided, single submitter. Criteria: ACMG Guidelines, 2015. Collection method: clinical testing. Allele origin: germline. Affected: no. Observed: 93 variant alleles.
Comment: This variant is classified as Benign based on local population frequency. This variant was detected in 100% of patients studied in a panel designed for Epileptic and Developmental Encephalopathy and Progressive Myoclonus Epilepsy. Number of patients: 93. Only high quality variants are reported.

Genome-Nilou Lab
Classification: Benign for Neuronal ceroid lipofuscinosis 1. Last evaluated: 2021-07-08. Review status: criteria provided, single submitter. Criteria: ACMG Guidelines, 2015. Collection method: clinical testing. Allele origin: germline. Affected: no.

GeneDx
Classification: Benign. Last evaluated: 2018-06-25. Review status: criteria provided, single submitter. Criteria: GeneDx Variant Classification Process June 2021. Collection method: clinical testing. Allele origin: germline. Affected: yes.

Breakthrough Genomics
Classification: Benign. Review status: criteria provided, single submitter. Criteria: ACMG Guidelines, 2015. Collection method: not provided. Allele origin: germline. Inheritance: Autosomal recessive inheritance. Affected: yes.